The following is an entry in ClinVar:

NM_004333.6(BRAF):c.1593G>T (p.Trp531Cys)

Gene: BRAF (B-Raf proto-oncogene, serine/threonine kinase; minus strand). Cytogenetic location: 7q34.
Variant type: single nucleotide variant.
Coding change: c.1593G>T on transcript NM_004333.6 (MANE Select); coding-DNA position 1593, G replaced by T.
Protein change: p.Trp531Cys; replaces tryptophan 531 with cysteine.
Molecular consequence: missense variant.
Genome position (GRCh38, 1-based): chr7:140,777,013, C>A on the plus strand (G>T on the coding strand, the complement: BRAF is on the minus strand). VCF-style: chr7-140777013-C-A. GRCh37 (hg19) VCF-style: chr7-140476813-C-A.
Other names: c.1593G>T, p.Trp531Cys (NM_001354609.2, NM_001378468.1, NM_001378474.1); c.1713G>T, p.Trp571Cys (NM_001374244.1, NM_001374258.1); c.1602G>T, p.Trp534Cys (NM_001378467.1); c.1527G>T, p.Trp509Cys (NM_001378469.1); c.1491G>T, p.Trp497Cys (NM_001378470.1); c.1482G>T, p.Trp494Cys (NM_001378471.1); c.1437G>T, p.Trp479Cys (NM_001378472.1, NM_001378473.1); c.1329G>T, p.Trp443Cys (NM_001378475.1); short protein forms W531C, W443C, W479C, W494C, W497C, W509C, W534C, W571C.
Identifiers: ClinVar variation 265358 (VCV000265358.5), dbSNP rs606231228, ClinGen allele CA10588419.

ClinVar aggregate classification (germline): Pathogenic (1 of 4 stars; one submission).

Submission:

GeneDx
Classification: Pathogenic. Last evaluated: 2022-12-15. Review status: criteria provided, single submitter. Criteria: GeneDx Variant Classification Process June 2021. Collection method: clinical testing. Allele origin: germline. Affected: yes.
Comment: Not observed at significant frequency in large population cohorts (gnomAD); Missense variants in this gene are often considered pathogenic (HGMD); In silico analysis supports that this missense variant has a deleterious effect on protein structure/function; This variant is associated with the following publications: (PMID: 23093928, 26633542, 24957944, 15488754, 16439621, 15520807, 17603483, 29493581, 30290804, 19206169, 33644862, 33040082)